The following is an entry in ClinVar:

ClinVar aggregate classification (germline): Uncertain significance (1 of 4 stars; one submission).

Submission:

GeneDx
Classification: Uncertain significance. Last evaluated: 2026-03-26. Review status: criteria provided, single submitter. Criteria: GeneDx Variant Classification Process June 2021. Collection method: clinical testing. Allele origin: germline.
Comment: Not observed at significant frequency in large population cohorts (gnomAD); In silico analysis suggests that this missense variant does not alter protein structure/function; Has not been previously published as pathogenic or benign to our knowledge

NM_001008537.3(NEXMIF):c.1412G>A (p.Ser471Asn)

Gene: NEXMIF (neurite extension and migration factor; minus strand). Cytogenetic location: Xq13.3.
Variant type: single nucleotide variant.
Coding change: c.1412G>A on transcript NM_001008537.3 (MANE Select); coding-DNA position 1412, G replaced by A.
Protein change: p.Ser471Asn; replaces serine 471 with asparagine.
Molecular consequence: missense variant.
Genome position (GRCh38, 1-based): chrX:74,743,145, C>T on the plus strand (G>A on the coding strand, the complement: NEXMIF is on the minus strand). VCF-style: chrX-74743145-C-T. GRCh37 (hg19) VCF-style: chrX-73962980-C-T.
Other names: short protein forms S471N.
Identifiers: ClinVar variation 5017308 (VCV005017308.1).
Genomic context (GRCh38, chrX:74,743,145, plus strand): 5'-TCTTCACTGTATCTGACTTTTCTCTTGGCTCGCAGCCCATAGTTCTGTTGGGAGGAGGAG[C>T]TGCCAGAATTAGTGTCCCGAGCCATATAGCGACTACAGTCCTTGATCTCACCCATAGCAT-3'
Protein context (NP_001008537.1, residues 461-481): RYMARDTNSG[Ser471Asn]SSSQQNYGLR